The following is an entry in ClinVar:

NM_000478.6(ALPL):c.1339G>C (p.Val447Leu)

Gene: ALPL (alkaline phosphatase, biomineralization associated; plus strand). Cytogenetic location: 1p36.12.
Variant type: single nucleotide variant.
Coding change: c.1339G>C on transcript NM_000478.6 (MANE Select); coding-DNA position 1339, G replaced by C.
Protein change: p.Val447Leu; replaces valine 447 with leucine.
Molecular consequence: missense variant.
Genome position (GRCh38, 1-based): chr1:21,577,412, G>C. VCF-style: chr1-21577412-G-C. GRCh37 (hg19) VCF-style: chr1-21903905-G-C.
Other names: c.1339G>C (NM_000478.5); c.1174G>C, p.Val392Leu (NM_001127501.4); c.1108G>C, p.Val370Leu (NM_001177520.3); c.1339G>C, p.Val447Leu (NM_001369803.2, NM_001369804.2, NM_001369805.2); short protein forms V392L, V370L, V447L.
Identifiers: ClinVar variation 4707949 (VCV004707949.3).

ClinVar aggregate classification (germline): Conflicting classifications of pathogenicity. Review status: criteria provided, conflicting classifications (1 of 4 stars). 3 submissions from 3 submitters: Likely pathogenic (2); Uncertain significance (1). Last evaluated 2026-04-10.

Conditions:
Hypophosphatasia. Also called: Phosphoethanol-aminuria. Identifiers: Orphanet 436, MedGen C0020630, MeSH D007014, MONDO:0018570.
ALPL-related disorder. Also called: ALPL-related disorders; ALPL-related condition.

gnomAD v4.1: 1 of 1,613,274 alleles (0.000062%); highest among the groups gnomAD compares: Non-Finnish European, 0.000085%; no homozygotes.

Submissions (3):

Women's Health and Genetics/Laboratory Corporation of America, LabCorp
Classification: Likely pathogenic for Hypophosphatasia. Last evaluated: 2026-04-10. Review status: criteria provided, single submitter. Criteria: LabCorp Variant Classification Summary - May 2015. Collection method: clinical testing. Allele origin: germline.
Comment: Variant summary: ALPL c.1339G>C (p.Val447Leu) results in a conservative amino acid change in the encoded protein sequence. Algorithms developed to predict the effect of missense changes on protein structure and function are either unavailable or do not agree on the potential impact of this missense change. The variant was absent in 246068 control chromosomes. c.1339G>C has been observed in the presumed heterozygous state in at least 1 individual(s) affected with clinical features of Hypophosphatasia (internal data). To our knowledge, no experimental evidence demonstrating an impact on protein function has been reported. Internally validated machine learning-based Evidence Modeling of protein sequence and biophysical properties (such as structural, functional, and spatial information, amino acid conservation, physicochemical variation, residue mobility, and thermodynamic stability) indicates that this missense variant is expected to disrupt ALPL protein function with a positive predictive value of at least 95%. A different variant affecting the same codon has been classified as likely pathogenic/pathogenic (c.1339G>A, p.Val447Met) by our lab, supporting the critical relevance of codon 447 to ALPL protein function. ClinVar contains an entry for this variant (Variation ID: 4707949). Based on the evidence outlined above, the variant was classified as likely pathogenic for autosomal dominant and autosomal recessive hypophosphatasia.

PreventionGenetics, part of Exact Sciences
Classification: Uncertain significance for ALPL-related condition. Last evaluated: 2026-03-23. Review status: criteria provided, single submitter. Criteria: ACMG Guidelines, 2015. Collection method: clinical testing. Allele origin: germline.
Comment: The ALPL c.1339G>C variant is predicted to result in the amino acid substitution p.Val447Leu. To our knowledge, this variant has not been reported in the literature or in a large population database (gnomAD), indicating this variant is rare. An alternative substitution affecting the same amino acid (p.Val447Ala) has been reported in a large cohort study of skeletal displasia (Table S5, MacCarrick et al. 2024. PubMed ID: 38702915). This variant could be pathogenic. At this time, the clinical significance of this variant is uncertain due to the absence of conclusive functional and genetic evidence.

Labcorp Genetics (formerly Invitae), Labcorp
Classification: Likely pathogenic. Last evaluated: 2025-03-07. Review status: criteria provided, single submitter. Criteria: Invitae Variant Classification Sherloc (09022015). Collection method: clinical testing. Allele origin: germline.
Comment: This sequence change replaces valine, which is neutral and non-polar, with leucine, which is neutral and non-polar, at codon 447 of the ALPL protein (p.Val447Leu). This variant is not present in population databases (gnomAD no frequency). This variant has not been reported in the literature in individuals affected with ALPL-related conditions. Invitae Evidence Modeling of protein sequence and biophysical properties (such as structural, functional, and spatial information, amino acid conservation, physicochemical variation, residue mobility, and thermodynamic stability) indicates that this missense variant is expected to disrupt ALPL protein function with a positive predictive value of 95%. This variant disrupts the p.Val447 amino acid residue in ALPL. Other variant(s) that disrupt this residue have been determined to be pathogenic (internal data). This suggests that this residue is clinically significant, and that variants that disrupt this residue are likely to be disease-causing. In summary, the currently available evidence indicates that the variant is pathogenic, but additional data are needed to prove that conclusively. Therefore, this variant has been classified as Likely Pathogenic.